The following is an entry in ClinVar:

ClinVar aggregate classification (germline): Pathogenic (1 of 4 stars; one submission).

Submission:

Ambry Genetics
Classification: Pathogenic. Last evaluated: 2026-03-18. Review status: criteria provided, single submitter. Criteria: Ambry Variant Classification Scheme 2023. Collection method: clinical testing. Allele origin: germline.
Comment: The c.6635C>G (p.S2212*) alteration, located in exon 45 (coding exon 44) of the HECTD4 gene, consists of a C to G substitution at nucleotide position 6635. This changes the amino acid from a serine (S) to a stop codon at amino acid position 2212. This variant is expected to result in loss of function by premature protein truncation or nonsense-mediated mRNA decay. This variant was not reported in population-based cohorts in the Genome Aggregation Database (gnomAD). Based on the available evidence, this alteration is classified as pathogenic.

NM_001388303.1(HECTD4):c.7151C>G (p.Ser2384Ter)

Gene: HECTD4 (HECT domain E3 ubiquitin protein ligase 4; minus strand). Cytogenetic location: 12q24.13.
Variant type: single nucleotide variant.
Coding change: c.7151C>G on transcript NM_001388303.1 (MANE Select); coding-DNA position 7151, C replaced by G.
Protein change: p.Ser2384Ter; replaces serine 2384 with a stop codon.
Molecular consequence: nonsense.
Genome position (GRCh38, 1-based): chr12:112,217,119, G>C on the plus strand (C>G on the coding strand, the complement: HECTD4 is on the minus strand). VCF-style: chr12-112217119-G-C. GRCh37 (hg19) VCF-style: chr12-112654923-G-C.
Other names: c.7181C>G, p.Ser2394Ter (NM_001109662.4); short protein forms S2384*, S2394*.
Identifiers: ClinVar variation 4858326 (VCV004858326.1).